The following is an entry in ClinVar:

ClinVar aggregate classification (germline): Uncertain significance. Review status: criteria provided, multiple submitters, no conflicts (2 of 4 stars). 2 submissions from 2 submitters: Uncertain significance (2). Last evaluated 2026-03-09.

Conditions:
Inborn genetic diseases. Identifiers: MedGen C0950123, MeSH D030342.
Fanconi anemia complementation group A (FANCA). Also called: FANCA-Related Fanconi Anemia; Fanconi anemia, group A. Identifiers: Orphanet 84, MedGen C3469521, MONDO:0009215, OMIM 227650.

gnomAD v4.1: 1 of 1,614,190 alleles (0.000062%); highest among the groups gnomAD compares: Non-Finnish European, 0.000085%; no homozygotes.

Submissions (2):

Myriad Genetics, Inc.
Classification: Uncertain significance for Fanconi anemia complementation group A. Last evaluated: 2026-03-09. Review status: criteria provided, single submitter. Criteria: Myriad Autosomal Dominant, Autosomal Recessive and X-Linked Classification Criteria (2023). Collection method: clinical testing. Allele origin: unknown.
Comment: NM_000135.2(FANCA):c.2709G>T(W903C) is a missense variant classified as a variant of uncertain significance in the context of Fanconi anemia complementation group A. W903C has not been observed in cases with relevant disease. Relevant functional assessments of this variant are not available in the literature. W903C has not been observed in referenced population frequency databases. In summary, there is insufficient evidence to classify NM_000135.2(FANCA):c.2709G>T(W903C) as pathogenic or benign. Please note: this variant was assessed in the context of healthy population screening.

Ambry Genetics
Classification: Uncertain significance for Inborn genetic diseases. Last evaluated: 2025-03-18. Review status: criteria provided, single submitter. Criteria: Ambry Variant Classification Scheme 2023. Collection method: clinical testing. Allele origin: germline.
Comment: The p.W903C variant (also known as c.2709G>T), located in coding exon 28 of the FANCA gene, results from a G to T substitution at nucleotide position 2709. The tryptophan at codon 903 is replaced by cysteine, an amino acid with highly dissimilar properties. This amino acid position is conserved. In addition, this alteration is predicted to be deleterious by in silico analysis. Based on the available evidence, the clinical significance of this variant remains unclear.

NM_000135.4(FANCA):c.2709G>T (p.Trp903Cys)

Gene: FANCA (FA complementation group A; minus strand). Cytogenetic location: 16q24.3.
Variant type: single nucleotide variant.
Coding change: c.2709G>T on transcript NM_000135.4 (MANE Select); coding-DNA position 2709, G replaced by T.
Protein change: p.Trp903Cys; replaces tryptophan 903 with cysteine.
Molecular consequence: missense variant.
Genome position (GRCh38, 1-based): chr16:89,764,959, C>A on the plus strand (G>T on the coding strand, the complement: FANCA is on the minus strand). VCF-style: chr16-89764959-C-A. GRCh37 (hg19) VCF-style: chr16-89831367-C-A.
Other names: c.2709G>T, p.Trp903Cys (NM_001286167.3); short protein forms W903C.
Identifiers: ClinVar variation 4022092 (VCV004022092.2).